The following is an entry in ClinVar:

NM_000180.4(GUCY2D):c.1495G>C (p.Gly499Arg)

Gene: GUCY2D (guanylate cyclase 2D, retinal; plus strand). Cytogenetic location: 17p13.1.
Variant type: single nucleotide variant.
Coding change: c.1495G>C on transcript NM_000180.4 (MANE Select); coding-DNA position 1495, G replaced by C.
Protein change: p.Gly499Arg; replaces glycine 499 with arginine.
Molecular consequence: missense variant.
Genome position (GRCh38, 1-based): chr17:8,007,457, G>C. VCF-style: chr17-8007457-G-C. GRCh37 (hg19) VCF-style: chr17-7910775-G-C.
Other names: c.1495G>C (NM_000180.3); short protein forms G499R.
Identifiers: ClinVar variation 1017111 (VCV001017111.9), dbSNP rs751263915, ClinGen allele CA8365777.

ClinVar aggregate classification (germline): Uncertain significance. Review status: criteria provided, multiple submitters, no conflicts (2 of 4 stars). 3 submissions from 3 submitters: Uncertain significance (3). Last evaluated 2025-06-22.

Conditions:
Inborn genetic diseases. Identifiers: MedGen C0950123, MeSH D030342.
Cone-rod dystrophy 6 (CORD6). Also called: Cone dystrophy progressive; RETINAL CONE DYSTROPHY 2. Identifiers: Orphanet 1872, MedGen C1866293, MONDO:0011143, OMIM 601777.
Leber congenital amaurosis 1 (LCA1). Also called: AMAUROSIS CONGENITA OF LEBER I; RETINAL BLINDNESS, CONGENITAL; Congenital absence of the rods and cones; Leber's congenital tapetoretinal degeneration; Leber's congenital tapetoretinal dysplasia. Identifiers: Orphanet 65, MedGen C2931258, MONDO:0008764, OMIM 204000.

Allele frequency attached by ClinVar (database versions not stated): ExAC 0.00003; gnomAD 0.00003; TOPMed 0.00003.

Submissions (3):

Labcorp Genetics (formerly Invitae), Labcorp
Classification: Uncertain significance for Leber congenital amaurosis 1; Cone-rod dystrophy 6. Last evaluated: 2025-06-22. Review status: criteria provided, single submitter. Criteria: Invitae Variant Classification Sherloc (09022015). Collection method: clinical testing. Allele origin: germline.
Comment: This sequence change replaces glycine, which is neutral and non-polar, with arginine, which is basic and polar, at codon 499 of the GUCY2D protein (p.Gly499Arg). This variant is present in population databases (rs751263915, gnomAD 0.005%). This variant has not been reported in the literature in individuals affected with GUCY2D-related conditions. ClinVar contains an entry for this variant (Variation ID: 1017111). Invitae Evidence Modeling of protein sequence and biophysical properties (such as structural, functional, and spatial information, amino acid conservation, physicochemical variation, residue mobility, and thermodynamic stability) has been performed for this missense variant. However, the output from this modeling did not meet the statistical confidence thresholds required to predict the impact of this variant on GUCY2D protein function. In summary, the available evidence is currently insufficient to determine the role of this variant in disease. Therefore, it has been classified as a Variant of Uncertain Significance.

Blueprint Genetics
Classification: Uncertain significance. Last evaluated: 2023-11-02. Review status: criteria provided, single submitter. Criteria: ACMG Guidelines, 2015. Collection method: clinical testing. Allele origin: germline.

Ambry Genetics
Classification: Uncertain significance for Inborn genetic diseases. Last evaluated: 2023-08-04. Review status: criteria provided, single submitter. Criteria: Ambry Variant Classification Scheme 2023. Collection method: clinical testing. Allele origin: germline.